The following is an entry in ClinVar:

ClinVar aggregate classification (germline): Conflicting classifications of pathogenicity. Review status: criteria provided, conflicting classifications (1 of 4 stars). 6 submissions from 6 submitters: Uncertain significance (3); Likely benign (3). Last evaluated 2026-07-06.

Conditions:
Colorectal cancer, hereditary nonpolyposis, type 7. Identifiers: Orphanet 144, MedGen C1858380, MONDO:0013725, OMIM 614385.

Allele frequency attached by ClinVar (database versions not stated): gnomAD 0.00004 and 0.00010; gnomAD exomes 0.00004 and 0.00021; TOPMed 0.00006; ESP Exome Variant Server 0.00008; 1000 Genomes Project 30x 0.00016; ExAC 0.00003; 1000 Genomes Project 0.00020.
gnomAD v4.1: 325 of 1,614,074 alleles (0.02%); highest among the groups gnomAD compares: East Asian, 0.66%; no homozygotes.

Submissions (6):

Ambry Genetics
Classification: Likely benign. Last evaluated: 2026-07-06. Review status: criteria provided, single submitter. Criteria: Ambry Variant Classification Scheme 2023. Collection method: clinical testing. Allele origin: germline.

Dasa
Classification: Likely benign. Last evaluated: 2025-12-29. Review status: criteria provided, single submitter. Criteria: DASA Assertion Criteria. Collection method: clinical testing. Allele origin: germline.
Comment: NM_001040108.2(MLH3):c.2093A>G (p.Gln698Arg) is a missense variant that results in the substitution of glutamine with arginine. Population frequency is inconsistent with a disease-causing role for this variant. Computational prediction algorithms are consistent with a benign effect. Therefore, based on the currently available evidence, this variant is classified as likely benign.

Labcorp Genetics (formerly Invitae), Labcorp
Classification: Uncertain significance for Colorectal cancer, hereditary nonpolyposis, type 7. Last evaluated: 2025-10-29. Review status: criteria provided, single submitter. Criteria: Invitae Variant Classification Sherloc (09022015). Collection method: clinical testing. Allele origin: germline.
Comment: This sequence change replaces glutamine, which is neutral and polar, with arginine, which is basic and polar, at codon 698 of the MLH3 protein (p.Gln698Arg). This variant is present in population databases (rs148876417, gnomAD 0.05%), and has an allele count higher than expected for a pathogenic variant. This variant has not been reported in the literature in individuals affected with MLH3-related conditions. ClinVar contains an entry for this variant (Variation ID: 478023). An algorithm developed to predict the effect of missense changes on protein structure and function (PolyPhen-2) suggests that this variant is likely to be tolerated. In summary, the available evidence is currently insufficient to determine the role of this variant in disease. Therefore, it has been classified as a Variant of Uncertain Significance.

Center for Genomic Medicine, Rigshospitalet, Copenhagen University Hospital
Classification: Uncertain significance. Last evaluated: 2025-03-04. Review status: criteria provided, single submitter. Criteria: ACMG Guidelines, 2015. Collection method: clinical testing. Allele origin: germline.

Blueprint Genetics
Classification: Likely benign. Last evaluated: 2024-06-14. Review status: criteria provided, single submitter. Criteria: ACMG Guidelines, 2015. Collection method: clinical testing. Allele origin: germline.

Illumina Laboratory Services, Illumina
Classification: Uncertain significance for Colorectal cancer, hereditary nonpolyposis, type 7. Last evaluated: 2018-01-13. Review status: criteria provided, single submitter. Criteria: ICSL Variant Classification Criteria 13 December 2019. Collection method: clinical testing. Allele origin: germline.

NM_001040108.2(MLH3):c.2093A>G (p.Gln698Arg)

Gene: MLH3 (mutL homolog 3; minus strand). Cytogenetic location: 14q24.3.
Variant type: single nucleotide variant.
Coding change: c.2093A>G on transcript NM_001040108.2 (MANE Select); coding-DNA position 2093, A replaced by G.
Protein change: p.Gln698Arg; replaces glutamine 698 with arginine.
Molecular consequence: missense variant.
Genome position (GRCh38, 1-based): chr14:75,047,563, T>C on the plus strand (A>G on the coding strand, the complement: MLH3 is on the minus strand). VCF-style: chr14-75047563-T-C. GRCh37 (hg19) VCF-style: chr14-75514266-T-C.
Other names: c.2093A>G, p.Gln698Arg (NM_014381.3); short protein forms Q698R.
Identifiers: ClinVar variation 478023 (VCV000478023.26), dbSNP rs148876417, ClinGen allele CA7275761.